The following is an entry in ClinVar:

ClinVar aggregate classification (germline): Uncertain significance (1 of 4 stars; one submission).

Allele frequency attached by ClinVar (database versions not stated): gnomAD exomes 0.00001 and 0.00002; gnomAD 0.00004 and 0.00006; TOPMed 0.00009.
gnomAD v4.1: 25 of 1,611,854 alleles (0.0016%); highest among the groups gnomAD compares: Admixed American, 0.025%; no homozygotes.

Submission:

Labcorp Genetics (formerly Invitae), Labcorp
Classification: Uncertain significance. Last evaluated: 2022-04-24. Review status: criteria provided, single submitter. Criteria: Invitae Variant Classification Sherloc (09022015). Collection method: clinical testing. Allele origin: germline.
Comment: This sequence change replaces glutamic acid, which is acidic and polar, with glycine, which is neutral and non-polar, at codon 1146 of the CARMIL2 protein (p.Glu1146Gly). This variant is present in population databases (no rsID available, gnomAD 0.01%). This variant has not been reported in the literature in individuals affected with CARMIL2-related conditions. Algorithms developed to predict the effect of missense changes on protein structure and function are either unavailable or do not agree on the potential impact of this missense change (SIFT: "Tolerated"; PolyPhen-2: "Probably Damaging"; Align-GVGD: "Class C0"). Algorithms developed to predict the effect of sequence changes on RNA splicing suggest that this variant may create or strengthen a splice site. In summary, the available evidence is currently insufficient to determine the role of this variant in disease. Therefore, it has been classified as a Variant of Uncertain Significance.

NM_001013838.3(CARMIL2):c.3437A>G (p.Glu1146Gly)

Gene: CARMIL2 (capping protein regulator and myosin 1 linker 2; plus strand). Cytogenetic location: 16q22.1.
Variant type: single nucleotide variant.
Coding change: c.3437A>G on transcript NM_001013838.3 (MANE Select); coding-DNA position 3437, A replaced by G.
Protein change: p.Glu1146Gly; replaces glutamic acid 1146 with glycine.
Molecular consequence: missense variant.
Genome position (GRCh38, 1-based): chr16:67,654,547, A>G. VCF-style: chr16-67654547-A-G. GRCh37 (hg19) VCF-style: chr16-67688450-A-G.
Other names: c.3329A>G, p.Glu1110Gly (NM_001317026.3); short protein forms E1110G, E1146G.
Identifiers: ClinVar variation 1396070 (VCV001396070.5), dbSNP rs1208971082, ClinGen allele CA396344898.